The following is an entry in ClinVar:

ClinVar aggregate classification (germline): Likely benign. Review status: criteria provided, multiple submitters, no conflicts (2 of 4 stars). 4 submissions from 4 submitters: Likely benign (4). Last evaluated 2026-04-01.

Conditions:
RAB7A-related disorder. Also called: RAB7A-related condition.
Inborn genetic diseases. Identifiers: MedGen C0950123, MeSH D030342.
Charcot-Marie-Tooth disease. Also called: Charcot-Marie-Tooth Neuropathy; Charcot-Marie-Tooth Hereditary Neuropathy. Identifiers: Orphanet 166, MedGen C0007959, MONDO:0015626.
Charcot-Marie-Tooth disease type 2B (CMT2B). Also called: HEREDITARY MOTOR AND SENSORY NEUROPATHY IIB; CHARCOT-MARIE-TOOTH DISEASE, AXONAL, TYPE 2B; CHARCOT-MARIE-TOOTH DISEASE, AUTOSOMAL DOMINANT, TYPE 2B; Charcot-Marie-Tooth Neuropathy Type 2B. Identifiers: Orphanet 99936, MedGen C1833219, MONDO:0010949, OMIM 600882.

Allele frequency attached by ClinVar (database versions not stated): gnomAD 0.00001; TOPMed 0.00001; ExAC 0.00002; gnomAD exomes 0.00002 and 0.00003.
gnomAD v4.1: 47 of 1,614,008 alleles (0.0029%); highest among the groups gnomAD compares: Middle Eastern, 0.033%; 1 homozygote.

Submissions (4):

PreventionGenetics, part of Exact Sciences
Classification: Likely benign for RAB7A-related condition. Last evaluated: 2026-04-01. Review status: criteria provided, single submitter. Criteria: ACMG Guidelines, 2015. Collection method: clinical testing. Allele origin: germline.
Comment: This variant is classified as likely benign based on ACMG/AMP sequence variant interpretation guidelines (Richards et al. 2015 PMID: 25741868, with internal and published modifications).

Labcorp Genetics (formerly Invitae), Labcorp
Classification: Likely benign for Charcot-Marie-Tooth disease type 2B. Last evaluated: 2024-01-04. Review status: criteria provided, single submitter. Criteria: Invitae Variant Classification Sherloc (09022015). Collection method: clinical testing. Allele origin: germline.

Ambry Genetics
Classification: Likely benign for Inborn genetic diseases. Last evaluated: 2019-07-11. Review status: criteria provided, single submitter. Criteria: Ambry Variant Classification Scheme 2023. Collection method: clinical testing. Allele origin: germline.

Molecular Genetics Laboratory, London Health Sciences Centre
Classification: Likely benign for Charcot-Marie-Tooth disease. Review status: criteria provided, single submitter. Criteria: ACMG Guidelines, 2015. Collection method: clinical testing. Allele origin: germline. Affected: yes.

NM_004637.6(RAB7A):c.321C>T (p.Leu107=)

Gene: RAB7A (RAB7A, member RAS oncogene family; plus strand). Cytogenetic location: 3q21.3.
Variant type: single nucleotide variant.
Coding change: c.321C>T on transcript NM_004637.6 (MANE Select); coding-DNA position 321, C replaced by T.
Protein change: p.Leu107=; no amino-acid change (leucine 107 retained).
Molecular consequence: synonymous variant.
Genome position (GRCh38, 1-based): chr3:128,806,512, C>T. VCF-style: chr3-128806512-C-T. GRCh37 (hg19) VCF-style: chr3-128525355-C-T.
Identifiers: ClinVar variation 532743 (VCV000532743.12), dbSNP rs749227632, ClinGen allele CA2600806.
Genomic context (GRCh38, chr3:128,806,512, plus strand): 5'-ATTTGATGTGACTGCCCCCAACACATTCAAAACCCTAGATAGCTGGAGAGATGAGTTTCT[C>T]ATCCAGGCCAGTCCCCGAGATCCTGAAAACTTCCCATTTGTTGTGTTGGGAAACAAGATT-3'
Protein context (NP_004628.4, residues 97-117): KTLDSWRDEF[Leu107=]IQASPRDPEN